The following is an entry in ClinVar:

ClinVar aggregate classification (germline): Pathogenic/Likely pathogenic. Review status: criteria provided, multiple submitters, no conflicts (2 of 4 stars). 2 submissions from 2 submitters: Pathogenic (1); Likely pathogenic (1). Last evaluated 2015-04-01.

Conditions:
Epilepsy, focal, with speech disorder and with or without impaired intellectual development. Also called: Early-onset epileptic encephalopathy and intellectual disability due to GRIN2A mutation. Identifiers: Orphanet 289266, MedGen C4749281, MONDO:0017325.
Landau-Kleffner syndrome (FESD). Also called: APHASIA, ACQUIRED, WITH EPILEPSY; EPILEPSY, FOCAL, WITH SPEECH DISORDER AND WITH OR WITHOUT MENTAL RETARDATION. Identifiers: Orphanet 1945, Orphanet 725, Orphanet 98818, MedGen C0282512, MONDO:0009509, OMIM 245570.

Submissions (2):

Laboratory for Molecular Medicine, Mass General Brigham Personalized Medicine
Classification: Pathogenic for Epilepsy, focal, with speech disorder and with or without impaired intellectual development. Last evaluated: 2015-04-01. Review status: criteria provided, single submitter. Criteria: ACMG Guidelines, 2015. Collection method: clinical testing. Allele origin: germline. Inheritance: Autosomal dominant inheritance.
Comment: The p.Ser1459Gly variant in GRIN2A has been identified as de novo in 1 individual with intellectual disability, facial dysmorphism, and speech delay (Hudson Alpha, pers. comm.). It was absent in large population studies. Computational prediction tools and conservation analysis do not provide strong support for or against an impact to the protein. In summary, the p.Ser1459Gly variant meets or criteria to be classified as pathogenic for early-onset epileptic encephalopathy and intellectual disability based upon de novo occurrence in an individual with a GRIN2A-associated phenotype.

HudsonAlpha Institute for Biotechnology
Classification: Likely pathogenic for Landau-Kleffner syndrome. Last evaluated: 2014-12-09. Review status: criteria provided, single submitter. Criteria: HA_assertions_20161101. Collection method: research. Allele origin: de novo. Affected: yes. Observed: 1 variant allele. Study: CSER-HudsonAlpha.

NM_001134407.3(GRIN2A):c.4375A>G (p.Ser1459Gly)

Gene: GRIN2A (glutamate ionotropic receptor NMDA type subunit 2A; minus strand). Cytogenetic location: 16p13.2.
Variant type: single nucleotide variant.
Coding change: c.4375A>G on transcript NM_001134407.3 (MANE Select); coding-DNA position 4375, A replaced by G.
Protein change: p.Ser1459Gly; replaces serine 1459 with glycine.
Molecular consequence: missense variant. On other transcripts: 3 prime UTR variant (1).
Genome position (GRCh38, 1-based): chr16:9,763,169, T>C on the plus strand (A>G on the coding strand, the complement: GRIN2A is on the minus strand). VCF-style: chr16-9763169-T-C. GRCh37 (hg19) VCF-style: chr16-9857026-T-C.
Other names: c.4375A>G, p.Ser1459Gly (NM_000833.5); c.*186A>G (NM_001134408.2); short protein forms S1459G.
Identifiers: ClinVar variation 224108 (VCV000224108.3), dbSNP rs869312681, ClinGen allele CA354186.